The following is an entry in ClinVar:

ClinVar aggregate classification (germline): Uncertain significance. Review status: criteria provided, multiple submitters, no conflicts (2 of 4 stars). 2 submissions from 2 submitters: Uncertain significance (2). Last evaluated 2026-08-12.

Conditions:
Inborn genetic diseases. Identifiers: MedGen C0950123, MeSH D030342.

gnomAD v4.1: 4 of 1,612,768 alleles (0.00025%); highest among the groups gnomAD compares: South Asian, 0.0011%; no homozygotes.

Submissions (2):

Ambry Genetics
Classification: Uncertain significance for Inborn genetic diseases. Last evaluated: 2026-08-12. Review status: criteria provided, single submitter. Criteria: Ambry Variant Classification Scheme 2023. Collection method: clinical testing. Allele origin: germline.
Comment: The c.2294G>A (p.C765Y) alteration is located in exon 8 (coding exon 7) of the WFS1 gene. This alteration results from a G to A substitution at nucleotide position 2294, causing the cysteine (C) at amino acid position 765 to be replaced by a tyrosine (Y). Based on data from gnomAD, the A allele has an overall frequency of <0.001% (1/246202) total alleles studied. The highest observed frequency was 0.003% (1/30514) of South Asian alleles. Based on insufficient or conflicting evidence, the clinical significance of this alteration remains unclear.

GeneDx
Classification: Uncertain significance. Last evaluated: 2024-04-29. Review status: criteria provided, single submitter. Criteria: GeneDx Variant Classification Process June 2021. Collection method: clinical testing. Allele origin: germline. Affected: yes.
Comment: In silico analysis supports that this missense variant has a deleterious effect on protein structure/function; Has not been previously published as pathogenic or benign to our knowledge

NM_006005.3(WFS1):c.2294G>A (p.Cys765Tyr)

Gene: WFS1 (wolframin ER transmembrane glycoprotein; plus strand). Cytogenetic location: 4p16.1.
Variant type: single nucleotide variant.
Coding change: c.2294G>A on transcript NM_006005.3 (MANE Select); coding-DNA position 2294, G replaced by A.
Protein change: p.Cys765Tyr; replaces cysteine 765 with tyrosine.
Molecular consequence: missense variant.
Genome position (GRCh38, 1-based): chr4:6,302,089, G>A. VCF-style: chr4-6302089-G-A. GRCh37 (hg19) VCF-style: chr4-6303816-G-A.
Other names: c.2294G>A, p.Cys765Tyr (NM_001145853.1); short protein forms C765Y.
Identifiers: ClinVar variation 3373194 (VCV003373194.2).